The following is an entry in ClinVar:

NM_001277115.2(DNAH11):c.3998T>C (p.Ile1333Thr)

Gene: DNAH11 (dynein axonemal heavy chain 11; plus strand). Cytogenetic location: 7p15.3.
Variant type: single nucleotide variant.
Coding change: c.3998T>C on transcript NM_001277115.2 (MANE Select); coding-DNA position 3998, T replaced by C.
Protein change: p.Ile1333Thr; replaces isoleucine 1333 with threonine.
Molecular consequence: missense variant.
Genome position (GRCh38, 1-based): chr7:21,615,259, T>C. VCF-style: chr7-21615259-T-C. GRCh37 (hg19) VCF-style: chr7-21654877-T-C.
Other names: short protein forms I1333T.
Identifiers: ClinVar variation 3345058 (VCV003345058.1).
Genomic context (GRCh38, chr7:21,615,259, plus strand): 5'-ACAAACAAATGAAACAGTGTCGCAAAGAAATAAAATTGCTCAAGGGACTGTGGGATGTCA[T>C]TATTTATGTTCGAGTAAGATGTGCTTTTTCAAAACATGCTTTTTATTTAGTAGTTCTTTT-3'
Protein context (NP_001264044.1, residues 1323-1343): IKLLKGLWDV[Ile1333Thr]IYVRRSIDNW

ClinVar aggregate classification (germline): Uncertain significance (0 of 4 stars; one submission).

Conditions:
DNAH11-related disorder. Also called: DNAH11-related condition.

Submission:

PreventionGenetics, part of Exact Sciences
Classification: Uncertain significance for DNAH11-related condition. Last evaluated: 2024-08-30. Review status: no assertion criteria provided. Collection method: clinical testing. Allele origin: germline.
Comment: The DNAH11 c.3998T>C variant is predicted to result in the amino acid substitution p.Ile1333Thr. To our knowledge, this variant has not been reported in the literature or in a large population database, indicating this variant is rare. At this time, the clinical significance of this variant is uncertain due to the absence of conclusive functional and genetic evidence.